The following is an entry in ClinVar:

ClinVar aggregate classification (germline): Pathogenic (1 of 4 stars; one submission).

Conditions:
EAST syndrome (SESAMES). Also called: SEIZURES, SENSORINEURAL DEAFNESS, ATAXIA, IMPAIRED INTELLECTUAL DEVELOPMENT, AND ELECTROLYTE IMBALANCE. Identifiers: Orphanet 199343, MedGen C2748572, MONDO:0013005, OMIM 612780.

Submission:

Labcorp Genetics (formerly Invitae), Labcorp
Classification: Pathogenic for EAST syndrome. Last evaluated: 2024-05-27. Review status: criteria provided, single submitter. Criteria: Invitae Variant Classification Sherloc (09022015). Collection method: clinical testing. Allele origin: germline.
Comment: This sequence change creates a premature translational stop signal (p.Gln111*) in the KCNJ10 gene. While this is not anticipated to result in nonsense mediated decay, it is expected to disrupt the last 269 amino acid(s) of the KCNJ10 protein. This variant is not present in population databases (gnomAD no frequency). This variant has not been reported in the literature in individuals affected with KCNJ10-related conditions. This variant disrupts a region of the KCNJ10 protein in which other variant(s) (p.Arg297Cys) have been determined to be pathogenic (PMID: 19289823, 20678478, 20807765, 21088294, 21849804). This suggests that this is a clinically significant region of the protein, and that variants that disrupt it are likely to be disease-causing. For these reasons, this variant has been classified as Pathogenic.

Literature cited by the submitters: PubMed 19289823; PubMed 20678478; PubMed 20807765; PubMed 21088294; PubMed 21849804.

NM_002241.5(KCNJ10):c.331C>T (p.Gln111Ter)

Gene: KCNJ10 (potassium inwardly rectifying channel subfamily J member 10; minus strand). Cytogenetic location: 1q23.2.
Variant type: single nucleotide variant.
Coding change: c.331C>T on transcript NM_002241.5 (MANE Select); coding-DNA position 331, C replaced by T.
Protein change: p.Gln111Ter; replaces glutamine 111 with a stop codon.
Molecular consequence: nonsense.
Genome position (GRCh38, 1-based): chr1:160,042,202, G>A on the plus strand (C>T on the coding strand, the complement: KCNJ10 is on the minus strand). VCF-style: chr1-160042202-G-A. GRCh37 (hg19) VCF-style: chr1-160011992-G-A.
Other names: short protein forms Q111*.
Identifiers: ClinVar variation 3654768 (VCV003654768.2).
Genomic context (GRCh38, chr1:160,042,202, plus strand): 5'-AGCCAATGGTGGTTTGGGATTCAAGGGAGAAGAGGAAGGCTCCAGTGAGTGTGTGCACCT[G>A]TACCACACAGGGGGTGTGGTTGGCCGGGGGGTCCAGCTCCAGCAGGTCCCCATGTGCCAC-3'